The following is an entry in ClinVar:

ClinVar aggregate classification (germline): Uncertain significance (1 of 4 stars; one submission).

Conditions:
Immunodeficiency 104. Also called: Severe combined immunodeficiency, autosomal recessive, T cell-negative, B cell-positive, NK cell-positive; SCID, AUTOSOMAL RECESSIVE, T CELL-NEGATIVE, B CELL-POSITIVE, NK CELL-POSITIVE; IMMUNODEFICIENCY 104, SEVERE COMBINED; Severe Combined Immune Deficiency, Autosomal Recessive, TCell -Negative, B Cell-Positive, NK Cell-Positive, IL7R-Related. Identifiers: MedGen C5676890, MONDO:0012163, OMIM 608971.

Submission:

Labcorp Genetics (formerly Invitae), Labcorp
Classification: Uncertain significance for Immunodeficiency 104. Last evaluated: 2022-05-24. Review status: criteria provided, single submitter. Criteria: Invitae Variant Classification Sherloc (09022015). Collection method: clinical testing. Allele origin: germline.
Comment: This sequence change replaces valine, which is neutral and non-polar, with alanine, which is neutral and non-polar, at codon 1195 of the PTPRC protein (p.Val1195Ala). This variant is not present in population databases (gnomAD no frequency). This variant has not been reported in the literature in individuals affected with PTPRC-related conditions. Algorithms developed to predict the effect of missense changes on protein structure and function are either unavailable or do not agree on the potential impact of this missense change (SIFT: "Deleterious"; PolyPhen-2: "Possibly Damaging"; Align-GVGD: "Class C0"). In summary, the available evidence is currently insufficient to determine the role of this variant in disease. Therefore, it has been classified as a Variant of Uncertain Significance.

NM_002838.5(PTPRC):c.3584T>C (p.Val1195Ala)

Gene: PTPRC (protein tyrosine phosphatase receptor type C; plus strand). Cytogenetic location: 1q32.1.
Variant type: single nucleotide variant.
Coding change: c.3584T>C on transcript NM_002838.5 (MANE Select); coding-DNA position 3584, T replaced by C.
Protein change: p.Val1195Ala; replaces valine 1195 with alanine.
Molecular consequence: missense variant.
Genome position (GRCh38, 1-based): chr1:198,754,343, T>C. VCF-style: chr1-198754343-T-C. GRCh37 (hg19) VCF-style: chr1-198723472-T-C.
Other names: c.3101T>C, p.Val1034Ala (NM_080921.4); short protein forms V1034A, V1195A.
Identifiers: ClinVar variation 1998244 (VCV001998244.1), dbSNP rs2528058883, ClinGen allele CA344055696.